The following is an entry in ClinVar:

ClinVar aggregate classification (germline): Uncertain significance (1 of 4 stars; one submission).

Conditions:
Inborn genetic diseases. Identifiers: MedGen C0950123, MeSH D030342.

Submission:

Ambry Genetics
Classification: Uncertain significance for Inborn genetic diseases. Last evaluated: 2025-06-21. Review status: criteria provided, single submitter. Criteria: Ambry Variant Classification Scheme 2023. Collection method: clinical testing. Allele origin: germline.
Comment: The p.A1459T variant (also known as c.4375G>A), located in coding exon 1 of the SAMD9 gene, results from a G to A substitution at nucleotide position 4375. The alanine at codon 1459 is replaced by threonine, an amino acid with similar properties. This amino acid position is conserved. In addition, this alteration is predicted to be tolerated by in silico analysis. Based on the available evidence, the clinical significance of this variant remains unclear.

NM_017654.4(SAMD9):c.4375G>A (p.Ala1459Thr)

Gene: SAMD9 (sterile alpha motif domain containing 9; minus strand). Cytogenetic location: 7q21.2.
Variant type: single nucleotide variant.
Coding change: c.4375G>A on transcript NM_017654.4 (MANE Select); coding-DNA position 4375, G replaced by A.
Protein change: p.Ala1459Thr; replaces alanine 1459 with threonine.
Molecular consequence: missense variant.
Genome position (GRCh38, 1-based): chr7:93,101,723, C>T on the plus strand (G>A on the coding strand, the complement: SAMD9 is on the minus strand). VCF-style: chr7-93101723-C-T. GRCh37 (hg19) VCF-style: chr7-92731036-C-T.
Other names: c.4375G>A, p.Ala1459Thr (NM_001193307.2); short protein forms A1459T.
Identifiers: ClinVar variation 4159026 (VCV004159026.1).